The following is an entry in ClinVar:

ClinVar aggregate classification (germline): Pathogenic (1 of 4 stars; one submission).

Conditions:
Mandibulofacial dysostosis-microcephaly syndrome (MFDGA). Also called: Mandibulofacial dysostosis, Guion-Almeida type; Growth and mental retardation, mandibulofacial dysostosis, microcephaly, and cleft palate. Identifiers: Orphanet 79113, MedGen C1864652, MONDO:0012516, OMIM 610536.

Submission:

Centre for Mendelian Genomics, University Medical Centre Ljubljana
Classification: Pathogenic for Mandibulofacial dysostosis-microcephaly syndrome. Last evaluated: 2019-10-02. Review status: criteria provided, single submitter. Criteria: ACMG Guidelines, 2015. Collection method: clinical testing. Allele origin: unknown. Affected: yes.
Comment: This variant was classified as: Pathogenic. The following ACMG criteria were applied in classifying this variant: PVS1,PM2,PM6.

NM_004247.4(EFTUD2):c.2600del (p.Pro867fs)

Gene: EFTUD2 (elongation factor Tu GTP binding domain containing 2; minus strand). Cytogenetic location: 17q21.31.
Variant type: Deletion.
Coding change: c.2600del on transcript NM_004247.4 (MANE Select); coding-DNA position 2600, one base deleted (C; older notation c.2600delC).
Protein change: p.Pro867fs; shifts the reading frame from proline 867.
Molecular consequence: frameshift variant.
Genome position (GRCh38, 1-based): chr17:44,852,524, G deleted on the plus strand (C on the coding strand, the reverse complement: EFTUD2 is on the minus strand); the first of 4 consecutive G bases (chr17:44,852,524-44,852,527); deleting any one gives the same sequence. VCF-style (leftmost placement, unchanged base first): chr17-44852523-AG-A. GRCh37 (hg19) VCF-style: chr17-42929891-AG-A.
Other names: c.2600delC (NM_001258353.1); c.2495del, p.Pro832fs (NM_001142605.2); c.2600del, p.Pro867fs (NM_001258353.2); c.2570del, p.Pro857fs (NM_001258354.2); short protein forms P832fs, P867fs, P857fs.
Identifiers: ClinVar variation 931795 (VCV000931795.3), dbSNP rs2050473924, ClinGen allele CA1139665637.